The following is an entry in ClinVar:

NM_002775.5(HTRA1):c.1156C>T (p.Arg386Ter)

Gene: HTRA1 (HtrA serine peptidase 1; plus strand). Cytogenetic location: 10q26.13.
Variant type: single nucleotide variant.
Coding change: c.1156C>T on transcript NM_002775.5 (MANE Select); coding-DNA position 1156, C replaced by T.
Protein change: p.Arg386Ter; replaces arginine 386 with a stop codon.
Molecular consequence: nonsense.
Genome position (GRCh38, 1-based): chr10:122,510,131, C>T. VCF-style: chr10-122510131-C-T. GRCh37 (hg19) VCF-style: chr10-124269647-C-T.
Other names: short protein forms R386*.
Identifiers: ClinVar variation 3049420 (VCV003049420.4), dbSNP rs768243150, ClinGen allele CA5726075.
Genomic context (GRCh38, chr10:122,510,131, plus strand): 5'-TGCTGTCCCTTTGTTGTCTCACCAGGAAAAGCCATCACCAAGAAGAAGTATATTGGTATC[C>T]GAATGATGTCACTCACGTCCAGGTGGGTAAACAGGATGCGTGTCTGTGTCTTAAATTTTA-3'

ClinVar aggregate classification (germline): Pathogenic/Likely pathogenic. Review status: criteria provided, multiple submitters, no conflicts (2 of 4 stars). 3 submissions from 3 submitters: Pathogenic (1); Likely pathogenic (1). 1 of the submissions does not count toward it. Last evaluated 2024-08-28.

Conditions:
HTRA1-related cerebral small vessel disease. Also called: HTRA1 Cerebral Small Vessel Disease (HTRA1-CSVD). Identifiers: Orphanet 482072, MedGen C5680099, MONDO:0018831.
Cerebral arteriopathy, autosomal recessive, with subcortical infarcts and leukoencephalopathy 2. Also called: CEREBROVASCULAR DISEASE WITH THIN SKIN, ALOPECIA, AND DISC DISEASE; MAEDA SYNDROME; SUBCORTICAL VASCULAR ENCEPHALOPATHY, PROGRESSIVE; Cerebral autosomal recessive arteriopathy with subcortical infarcts and leukoencephalopathy; CARASIL syndrome. Identifiers: Orphanet 199354, MedGen C6022615, MONDO:0010829, OMIM 600142.
HTRA1-related disorder. Also called: HTRA1-related condition.

Allele frequency attached by ClinVar (database versions not stated): ExAC 0.00001.
gnomAD v4.1: 10 of 1,613,946 alleles (0.00062%); highest among the groups gnomAD compares: South Asian, 0.0011%; no homozygotes.

Submissions (3):

Women's Health and Genetics/Laboratory Corporation of America, LabCorp
Classification: Pathogenic for HTRA1-related cerebral small vessel disease. Last evaluated: 2024-08-28. Review status: criteria provided, single submitter. Criteria: LabCorp Variant Classification Summary - May 2015. Collection method: clinical testing. Allele origin: germline.
Comment: Variant summary: HTRA1 c.1156C>T (p.Arg386X) results in a premature termination codon, predicted to cause a truncation of the encoded protein or absence of the protein due to nonsense mediated decay, which are commonly known mechanisms for disease. The variant allele was found at a frequency of 4e-06 in 251488 control chromosomes. c.1156C>T has been reported in the literature in at least one homozygous individual affected with HTRA1-Related Cerebral Small Vessel Disease (e.g., Shirah_2023). To our knowledge, no experimental evidence demonstrating an impact on protein function has been reported. The following publication has been ascertained in the context of this evaluation (PMID: 37348440). ClinVar contains an entry for this variant (Variation ID: 3049420). Based on the evidence outlined above, the variant was classified as pathogenic.

Genomic Medicine Center of Excellence, King Faisal Specialist Hospital and Research Centre
Classification: Likely pathogenic for Cerebral arteriopathy, autosomal recessive, with subcortical infarcts and leukoencephalopathy 2. Last evaluated: 2024-03-23. Review status: criteria provided, single submitter. Criteria: ACMG Guidelines, 2015. Collection method: clinical testing. Allele origin: germline.

PreventionGenetics, part of Exact Sciences
Classification: Likely pathogenic for HTRA1-related condition. Last evaluated: 2023-12-11. Review status: no assertion criteria provided. Collection method: clinical testing. Allele origin: germline. Not counted in ClinVar's aggregate classification.
Comment: The HTRA1 c.1156C>T variant is predicted to result in premature protein termination (p.Arg386*). To our knowledge, this variant has not been reported in the literature. This variant is reported in 0.00088% of alleles in individuals of European (non-Finnish) descent in gnomAD. Premature termination variants up- and downstream of amino acid 386 have been associated with autosomal dominant cerebral small vessel disease (Coste et al. 2021. PubMed ID: 34270682; Wang et al. 2022. PubMed ID:35401403). This variant is interpreted as likely pathogenic.

Literature cited by the submitters: PubMed 37348440 (cited by Women's Health and Genetics/Laboratory Corporation of America, LabCorp).